The following is an entry in ClinVar:

NM_001330078.2(NRXN1):c.-421A>C

Gene: NRXN1 (neurexin 1; minus strand). Cytogenetic location: 2p16.3.
Variant type: single nucleotide variant.
Coding change: c.-421A>C on transcript NM_001330078.2 (MANE Select); 421 bases upstream of the start codon, A replaced by C.
Molecular consequence: 5 prime UTR variant.
Genome position (GRCh38, 1-based): chr2:51,028,694, T>G on the plus strand (A>C on the coding strand, the complement: NRXN1 is on the minus strand). VCF-style: chr2-51028694-T-G. GRCh37 (hg19) VCF-style: chr2-51255832-T-G.
Other names: c.-421A>C (NM_001135659.3, NM_001330077.2, NM_001330079.2 and 15 more transcripts).
Identifiers: ClinVar variation 336564 (VCV000336564.9), dbSNP rs67661616, ClinGen allele CA10615859.
Genomic context (GRCh38, chr2:51,028,694, plus strand): 5'-ATCTGCAGTGTCAACAGATACTTAACTCCTCAAATCCCATTATCTGCCAGGTTCCACCAG[T>G]GGTACCAGGCCAAAAGGAAGCAGTGAGAGTCAGTAAAAAGAAAACACTTTTCTCAAGAAA-3'

ClinVar aggregate classification (germline): Benign. Review status: criteria provided, multiple submitters, no conflicts (2 of 4 stars). 3 submissions from 3 submitters: Benign (3). Last evaluated 2019-05-20.

Conditions:
Pitt-Hopkins-like syndrome 2 (PTHSL2). Identifiers: Orphanet 221150, Orphanet 600663, MedGen C3280479, MONDO:0013690, OMIM 614325.

Allele frequency attached by ClinVar (database versions not stated): 1000 Genomes Project 30x 0.17130; 1000 Genomes Project 0.17292; TOPMed 0.21042; gnomAD 0.22316 and 0.22388; gnomAD exomes 0.27740.
gnomAD v4.1: 37,404 of 164,596 alleles (23%); highest among the groups gnomAD compares: Non-Finnish European, 30%; 4,788 homozygotes.

Submissions (3):

GeneDx
Classification: Benign. Last evaluated: 2019-05-20. Review status: criteria provided, single submitter. Criteria: GeneDx Variant Classification Process June 2021. Collection method: clinical testing. Allele origin: germline. Affected: yes.

Illumina Laboratory Services, Illumina
Classification: Benign for Pitt-Hopkins-like syndrome 2. Last evaluated: 2018-01-12. Review status: criteria provided, single submitter. Criteria: ICSL Variant Classification Criteria 13 December 2019. Collection method: clinical testing. Allele origin: germline.
Comment: This variant was observed in the ICSL laboratory as part of a predisposition screen in an ostensibly healthy population. It had not been previously curated by ICSL or reported in the Human Gene Mutation Database (HGMD: prior to June 1st, 2018), and was therefore a candidate for classification through an automated scoring system. Utilizing variant allele frequency, disease prevalence and penetrance estimates, and inheritance mode, an automated score was calculated to assess if this variant is too frequent to cause the disease. Based on the score and internal cut-off values, a variant classified as benign is not then subjected to further curation. The score for this variant resulted in a classification of benign for this disease.

Breakthrough Genomics
Classification: Benign. Review status: criteria provided, single submitter. Criteria: ACMG Guidelines, 2015. Collection method: not provided. Allele origin: germline. Inheritance: Autosomal recessive inheritance. Affected: yes.